The following is an entry in ClinVar:

ClinVar aggregate classification (germline): Uncertain significance (1 of 4 stars; one submission).

Allele frequency attached by ClinVar (database versions not stated): gnomAD exomes below 0.00001.
gnomAD v4.1: 1 of 1,602,928 alleles (0.000062%); highest among the groups gnomAD compares: African/African-American, 0.0013%; no homozygotes.

Submission:

Labcorp Genetics (formerly Invitae), Labcorp
Classification: Uncertain significance. Last evaluated: 2024-10-29. Review status: criteria provided, single submitter. Criteria: Invitae Variant Classification Sherloc (09022015). Collection method: clinical testing. Allele origin: germline.
Comment: This sequence change replaces proline, which is neutral and non-polar, with serine, which is neutral and polar, at codon 599 of the KARS protein (p.Pro599Ser). This variant is not present in population databases (gnomAD no frequency). This variant has not been reported in the literature in individuals affected with KARS-related conditions. ClinVar contains an entry for this variant (Variation ID: 2732328). Invitae Evidence Modeling of protein sequence and biophysical properties (such as structural, functional, and spatial information, amino acid conservation, physicochemical variation, residue mobility, and thermodynamic stability) indicates that this missense variant is expected to disrupt KARS protein function with a positive predictive value of 80%. In summary, the available evidence is currently insufficient to determine the role of this variant in disease. Therefore, it has been classified as a Variant of Uncertain Significance.

NM_005548.3(KARS1):c.1711C>T (p.Pro571Ser)

Gene: KARS1 (lysyl-tRNA synthetase 1; minus strand). Cytogenetic location: 16q23.1.
Variant type: single nucleotide variant.
Coding change: c.1711C>T on transcript NM_005548.3 (MANE Select); coding-DNA position 1711, C replaced by T.
Protein change: p.Pro571Ser; replaces proline 571 with serine.
Molecular consequence: missense variant.
Genome position (GRCh38, 1-based): chr16:75,627,978, G>A on the plus strand (C>T on the coding strand, the complement: KARS1 is on the minus strand). VCF-style: chr16-75627978-G-A. GRCh37 (hg19) VCF-style: chr16-75661876-G-A.
Other names: c.1795C>T, p.Pro599Ser (NM_001130089.2); c.1243C>T, p.Pro415Ser (NM_001378148.1); short protein forms P415S, P571S, P599S.
Identifiers: ClinVar variation 2732328 (VCV002732328.3), dbSNP rs2507547197, ClinGen allele CA396809309.